The following is an entry in ClinVar:

ClinVar aggregate classification (germline): Uncertain significance (1 of 4 stars; one submission).

Conditions:
Congenital disorder of glycosylation type Ir (CDG1R). Also called: DDOST-congenital disorder of glycosylation. Identifiers: Orphanet 300536, MedGen C3281084, MONDO:0013789, OMIM 614507.

Allele frequency attached by ClinVar (database versions not stated): gnomAD exomes 0.00006; TOPMed 0.00006; ExAC 0.00007; gnomAD 0.00009; ESP Exome Variant Server 0.00023.
gnomAD v4.1: 186 of 1,553,064 alleles (0.012%); highest among the groups gnomAD compares: Non-Finnish European, 0.016%; no homozygotes.

Submission:

Labcorp Genetics (formerly Invitae), Labcorp
Classification: Uncertain significance for Congenital disorder of glycosylation type Ir. Last evaluated: 2025-11-17. Review status: criteria provided, single submitter. Criteria: Invitae Variant Classification Sherloc (09022015). Collection method: clinical testing. Allele origin: germline.
Comment: This sequence change falls in intron 2 of the DDOST gene. It does not directly change the encoded amino acid sequence of the DDOST protein. It affects a nucleotide within the consensus splice site. This variant is present in population databases (rs372328091, gnomAD 0.01%). This variant has not been reported in the literature in individuals affected with DDOST-related conditions. ClinVar contains an entry for this variant (Variation ID: 942978). Variants that disrupt the consensus splice site are a relatively common cause of aberrant splicing (PMID: 17576681, 9536098). Algorithms developed to predict the effect of sequence changes on RNA splicing suggest that this variant is not likely to affect RNA splicing. In summary, the available evidence is currently insufficient to determine the role of this variant in disease. Therefore, it has been classified as a Variant of Uncertain Significance.

Literature cited by the submitters: PubMed 17576681; PubMed 9536098.

NM_005216.5(DDOST):c.265+6G>C

Gene: DDOST (dolichyl-diphosphooligosaccharide--protein glycosyltransferase non-catalytic subunit; minus strand). Cytogenetic location: 1p36.12.
Variant type: single nucleotide variant.
Coding change: c.265+6G>C on transcript NM_005216.5 (MANE Select); 6 bases into the intron after coding-DNA position 265, G replaced by C.
Molecular consequence: intron variant.
Genome position (GRCh38, 1-based): chr1:20,660,875, C>G on the plus strand (G>C on the coding strand, the complement: DDOST is on the minus strand). VCF-style: chr1-20660875-C-G. GRCh37 (hg19) VCF-style: chr1-20987368-C-G.
Identifiers: ClinVar variation 942978 (VCV000942978.8), dbSNP rs372328091, ClinGen allele CA661318.